The following is an entry in ClinVar:

NM_000334.4(SCN4A):c.4930G>T (p.Val1644Leu)

Genes: GH-LCR (growth hormone locus control region; plus strand), SCN4A (sodium voltage-gated channel alpha subunit 4; minus strand). Cytogenetic location: 17q23.3.
Variant type: single nucleotide variant.
Coding change: c.4930G>T on transcript NM_000334.4 (MANE Select); coding-DNA position 4930, G replaced by T.
Protein change: p.Val1644Leu; replaces valine 1644 with leucine.
Molecular consequence: missense variant.
Genome position (GRCh38, 1-based): chr17:63,941,352, C>A on the plus strand (G>T on the coding strand, the complement: SCN4A is on the minus strand). VCF-style: chr17-63941352-C-A. GRCh37 (hg19) VCF-style: chr17-62018712-C-A.
Other names: short protein forms V1644L.
Identifiers: ClinVar variation 2435746 (VCV002435746.7), dbSNP rs775486265, ClinGen allele CA292956761.

ClinVar aggregate classification (germline): Uncertain significance. Review status: criteria provided, multiple submitters, no conflicts (2 of 4 stars). 4 submissions from 4 submitters: Uncertain significance (4). Last evaluated 2025-10-25.

Conditions:
Hyperkalemic periodic paralysis. Also called: Gamstorp disease; Familial hyperkalemic periodic paralysis. Identifiers: Orphanet 682, MedGen C0238357, MONDO:0008224, OMIM 170500, HP:0007215.
Congenital myopathy 22A, classic (CMYO22A). Identifiers: MedGen C5830453, MONDO:0957247, OMIM 620351.
Congenital myopathy 22B, severe fetal (CMYO22B). Identifiers: MedGen C5830501, MONDO:0957265, OMIM 620369.
Congenital myasthenic syndrome 16. Identifiers: Orphanet 590, MedGen C3280112, MONDO:0013620, OMIM 614198.
Hypokalemic periodic paralysis, type 2 (HOKPP2). Identifiers: Orphanet 681, MedGen C2750061, MONDO:0013234, OMIM 613345.
Potassium-aggravated myotonia. Also called: MYOTONIA CONGENITA, ATYPICAL; SODIUM CHANNEL MUSCLE DISEASE; MYOTONIA CONGENITA, ACETAZOLAMIDE-RESPONSIVE; Myotonia congenita, atypical, acetazolamide-responsive. Identifiers: Orphanet 612, Orphanet 99734, Orphanet 99735, Orphanet 99736, MedGen C2931826, MONDO:0018959, OMIM 608390.
Paramyotonia congenita of Von Eulenburg. Also called: PARALYSIS PERIODICA PARAMYOTONICA; Eulenburg disease; Myotonia congenita intermittens; Von Eulenburg paramyotonia congenita; Paramyotonia Congenita. Identifiers: Orphanet 684, MedGen C0221055, MONDO:0008195, OMIM 168300. Disease mechanism: loss of function.
Inborn genetic diseases. Identifiers: MedGen C0950123, MeSH D030342.

gnomAD v4.1: 7 of 1,613,742 alleles (0.00043%); highest among the groups gnomAD compares: African/African-American, 0.0094%; no homozygotes.

Submissions (4):

Labcorp Genetics (formerly Invitae), Labcorp
Classification: Uncertain significance for Hyperkalemic periodic paralysis. Last evaluated: 2025-10-25. Review status: criteria provided, single submitter. Criteria: Invitae Variant Classification Sherloc (09022015). Collection method: clinical testing. Allele origin: germline.
Comment: This sequence change replaces valine, which is neutral and non-polar, with leucine, which is neutral and non-polar, at codon 1644 of the SCN4A protein (p.Val1644Leu). This variant is present in population databases (no rsID available, gnomAD 0.01%). This variant has not been reported in the literature in individuals affected with SCN4A-related conditions. ClinVar contains an entry for this variant (Variation ID: 2435746). Invitae Evidence Modeling of protein sequence and biophysical properties (such as structural, functional, and spatial information, amino acid conservation, physicochemical variation, residue mobility, and thermodynamic stability) indicates that this missense variant is not expected to disrupt SCN4A protein function with a negative predictive value of 95%. In summary, the available evidence is currently insufficient to determine the role of this variant in disease. Therefore, it has been classified as a Variant of Uncertain Significance.

Fulgent Genetics
Classification: Uncertain significance for Paramyotonia congenita of Von Eulenburg; Hyperkalemic periodic paralysis; Potassium-aggravated myotonia; Hypokalemic periodic paralysis, type 2; Congenital myasthenic syndrome 16; Congenital myopathy 22A, classic; Congenital myopathy 22B, severe fetal. Last evaluated: 2024-06-12. Review status: criteria provided, single submitter. Criteria: ACMG Guidelines, 2015. Collection method: clinical testing. Allele origin: germline.

Ambry Genetics
Classification: Uncertain significance for Inborn genetic diseases. Last evaluated: 2023-08-02. Review status: criteria provided, single submitter. Criteria: Ambry Variant Classification Scheme 2023. Collection method: clinical testing. Allele origin: germline.

Revvity Omics, Revvity
Classification: Uncertain significance. Last evaluated: 2020-11-20. Review status: criteria provided, single submitter. Criteria: ACMG Guidelines, 2015. Collection method: clinical testing. Allele origin: germline.